The following is an entry in ClinVar:

ClinVar aggregate classification (germline): Conflicting classifications of pathogenicity. Review status: criteria provided, conflicting classifications (1 of 4 stars). 2 submissions from 2 submitters: Uncertain significance (1); Likely benign (1). Last evaluated 2022-06-09.

Conditions:
Primary ciliary dyskinesia. Also called: Ciliary dyskinesia. Identifiers: Orphanet 244, MedGen C0008780, MONDO:0016575, HP:0012265.

Allele frequency attached by ClinVar (database versions not stated): 1000 Genomes Project 0.00020; TOPMed 0.00006; 1000 Genomes Project 30x 0.00016.
gnomAD v4.1: 31 of 1,614,080 alleles (0.0019%); highest among the groups gnomAD compares: Admixed American, 0.037%; no homozygotes.

Submissions (2):

Labcorp Genetics (formerly Invitae), Labcorp
Classification: Uncertain significance for Primary ciliary dyskinesia. Last evaluated: 2022-06-09. Review status: criteria provided, single submitter. Criteria: Invitae Variant Classification Sherloc (09022015). Collection method: clinical testing. Allele origin: germline.
Comment: This sequence change falls in intron 17 of the DNAH5 gene. It does not directly change the encoded amino acid sequence of the DNAH5 protein. It affects a nucleotide within the consensus splice site. This variant is present in population databases (rs201596289, gnomAD 0.006%). This variant has been observed in individual(s) with clinical features of bronchiectasis and sinusitis (Invitae). ClinVar contains an entry for this variant (Variation ID: 508641). Variants that disrupt the consensus splice site are a relatively common cause of aberrant splicing (PMID: 17576681, 9536098). Algorithms developed to predict the effect of sequence changes on RNA splicing suggest that this variant is not likely to affect RNA splicing. In summary, the available evidence is currently insufficient to determine the role of this variant in disease. Therefore, it has been classified as a Variant of Uncertain Significance.

GeneDx
Classification: Likely benign. Last evaluated: 2017-04-10. Review status: criteria provided, single submitter. Criteria: GeneDx Variant Classification (06012015). Collection method: clinical testing. Allele origin: germline. Affected: yes.
Comment: This variant is considered likely benign or benign based on one or more of the following criteria: it is a conservative change, it occurs at a poorly conserved position in the protein, it is predicted to be benign by multiple in silico algorithms, and/or has population frequency not consistent with disease.

Literature cited by the submitters: PubMed 17576681 (cited by Labcorp Genetics (formerly Invitae), Labcorp); PubMed 9536098 (cited by Labcorp Genetics (formerly Invitae), Labcorp).

NM_001369.3(DNAH5):c.2577+5T>G

Genes: DNAH5 (dynein axonemal heavy chain 5; minus strand), DNAH5-AS1 (DNAH5 antisense RNA 1; plus strand). Cytogenetic location: 5p15.2.
Variant type: single nucleotide variant.
Coding change: c.2577+5T>G on transcript NM_001369.3 (MANE Select); 5 bases into the intron after coding-DNA position 2577, T replaced by G.
Molecular consequence: intron variant.
Genome position (GRCh38, 1-based): chr5:13,890,971, A>C on the plus strand (T>G on the coding strand, the complement: DNAH5 is on the minus strand). VCF-style: chr5-13890971-A-C. GRCh37 (hg19) VCF-style: chr5-13891080-A-C.
Identifiers: ClinVar variation 508641 (VCV000508641.3), dbSNP rs201596289, ClinGen allele CA3204552.
Genomic context (GRCh38, chr5:13,890,971, plus strand): 5'-AGTGACCTTTATAGGAAAATGAATCACCAAAAACCTTAAACAAAAAAAATCAAGGTTTTA[A>C]TGACCTTTGTCATTTGGAGAAACTCTTCACAGGTTAGTGGCTCCTCCTGGGGAAGCTGAC-3'